The following is an entry in ClinVar:

ClinVar aggregate classification (germline): Uncertain significance (1 of 4 stars; one submission).

Conditions:
Hereditary spastic paraplegia 4. Also called: Spastic Paraplegia 4; Spastic paraplegia 4, autosomal dominant; Familial spastic paraplegia autosomal dominant 2. Identifiers: Orphanet 100985, MedGen C1866855, MONDO:0008438, OMIM 182601.

Allele frequency attached by ClinVar (database versions not stated): gnomAD exomes 0.00001.
gnomAD v4.1: 11 of 1,612,012 alleles (0.00068%); highest among the groups gnomAD compares: East Asian, 0.0022%; no homozygotes.

Submission:

Labcorp Genetics (formerly Invitae), Labcorp
Classification: Uncertain significance for Hereditary spastic paraplegia 4. Last evaluated: 2025-09-08. Review status: criteria provided, single submitter. Criteria: Invitae Variant Classification Sherloc (09022015). Collection method: clinical testing. Allele origin: germline.
Comment: This sequence change replaces arginine, which is basic and polar, with cysteine, which is neutral and slightly polar, at codon 594 of the SPAST protein (p.Arg594Cys). This variant is not present in population databases (gnomAD no frequency). This variant has not been reported in the literature in individuals affected with SPAST-related conditions. ClinVar contains an entry for this variant (Variation ID: 1417996). Invitae Evidence Modeling of protein sequence and biophysical properties (such as structural, functional, and spatial information, amino acid conservation, physicochemical variation, residue mobility, and thermodynamic stability) indicates that this missense variant is not expected to disrupt SPAST protein function with a negative predictive value of 80%. In summary, the available evidence is currently insufficient to determine the role of this variant in disease. Therefore, it has been classified as a Variant of Uncertain Significance.

NM_014946.4(SPAST):c.1780C>T (p.Arg594Cys)

Gene: SPAST (spastin; plus strand). Cytogenetic location: 2p22.3.
Variant type: single nucleotide variant.
Coding change: c.1780C>T on transcript NM_014946.4 (MANE Select); coding-DNA position 1780, C replaced by T.
Protein change: p.Arg594Cys; replaces arginine 594 with cysteine.
Molecular consequence: missense variant. On other transcripts: 3 prime UTR variant (1).
Genome position (GRCh38, 1-based): chr2:32,154,425, C>T. VCF-style: chr2-32154425-C-T. GRCh37 (hg19) VCF-style: chr2-32379494-C-T.
Other names: c.1777C>T, p.Arg593Cys (NM_001363823.2); c.1681C>T, p.Arg561Cys (NM_001363875.2); c.*53C>T (NM_001377959.1); c.1684C>T, p.Arg562Cys (NM_199436.2); short protein forms R562C, R594C, R561C, R593C.
Identifiers: ClinVar variation 1417996 (VCV001417996.6), dbSNP rs1680185992, ClinGen allele CA346505629.